The following is an entry in ClinVar:

NM_002968.3(SALL1):c.2544A>G (p.Gln848=)

Gene: SALL1 (spalt like transcription factor 1; minus strand). Cytogenetic location: 16q12.1.
Variant type: single nucleotide variant.
Coding change: c.2544A>G on transcript NM_002968.3 (MANE Select); coding-DNA position 2544, A replaced by G.
Protein change: p.Gln848=; no amino-acid change (glutamine 848 retained).
Molecular consequence: synonymous variant.
Genome position (GRCh38, 1-based): chr16:51,139,678, T>C on the plus strand (A>G on the coding strand, the complement: SALL1 is on the minus strand). VCF-style: chr16-51139678-T-C. GRCh37 (hg19) VCF-style: chr16-51173589-T-C.
Other names: p.Gln848=; c.2253A>G, p.Gln751= (NM_001127892.2).
Identifiers: ClinVar variation 258865 (VCV000258865.49), dbSNP rs45459896, ClinGen allele CA8053087.

ClinVar aggregate classification (germline): Benign/Likely benign. Review status: criteria provided, multiple submitters, no conflicts (2 of 4 stars). 8 submissions from 8 submitters: Benign (7); Likely benign (1). Last evaluated 2026-01-30.

Conditions:
Townes syndrome (TBS). Also called: Townes-Brocks syndrome. Identifiers: Orphanet 857, MedGen C0265246, MeSH C536974, MONDO:0007142.

Allele frequency attached by ClinVar (database versions not stated): gnomAD 0.00908 and 0.00931; gnomAD exomes 0.00913 and 0.01412; ExAC 0.00956; ESP Exome Variant Server 0.01177; 1000 Genomes Project 0.00359; 1000 Genomes Project 30x 0.00375; TOPMed 0.00900.

Submissions (8):

Labcorp Genetics (formerly Invitae), Labcorp
Classification: Benign for Townes syndrome. Last evaluated: 2026-01-30. Review status: criteria provided, single submitter. Criteria: Invitae Variant Classification Sherloc (09022015). Collection method: clinical testing. Allele origin: germline.

Mayo Clinic Laboratories, Mayo Clinic
Classification: Benign. Last evaluated: 2025-03-31. Review status: criteria provided, single submitter. Criteria: ACMG Guidelines, 2015. Collection method: clinical testing. Allele origin: germline. Observed: 2 variant alleles.
Comment: BA1, BS2, BP4, BP7

Blueprint Genetics
Classification: Likely benign. Last evaluated: 2024-11-27. Review status: criteria provided, single submitter. Criteria: ACMG Guidelines, 2015. Collection method: clinical testing. Allele origin: germline.

CeGaT Center for Human Genetics Tuebingen
Classification: Benign. Last evaluated: 2024-08-01. Review status: criteria provided, single submitter. Criteria: CeGaT Center For Human Genetics Tuebingen Variant Classification Criteria Version 2. Collection method: clinical testing. Allele origin: germline. Affected: yes. Observed: 13 variant alleles.
Comment: SALL1: BP4, BP7, BS1, BS2

Athena Diagnostics
Classification: Benign. Last evaluated: 2019-07-12. Review status: criteria provided, single submitter. Criteria: Athena Diagnostics Criteria. Collection method: clinical testing. Allele origin: germline.

GeneDx
Classification: Benign. Last evaluated: 2015-03-03. Review status: criteria provided, single submitter. Criteria: GeneDx Variant Classification Process June 2021. Collection method: clinical testing. Allele origin: germline. Affected: yes.

Breakthrough Genomics
Classification: Benign. Review status: criteria provided, single submitter. Criteria: ACMG Guidelines, 2015. Collection method: not provided. Allele origin: germline. Inheritance: Autosomal dominant inheritance. Affected: yes.

PreventionGenetics, part of Exact Sciences
Classification: Benign. Review status: criteria provided, single submitter. Criteria: ACMG Guidelines, 2015. Collection method: clinical testing. Allele origin: germline.